The following is an entry in ClinVar:

NM_001007228.2(SPOP):c.216C>A (p.Asn72Lys)

Gene: SPOP (speckle type BTB/POZ protein; minus strand). Cytogenetic location: 17q21.33.
Variant type: single nucleotide variant.
Coding change: c.216C>A on transcript NM_001007228.2 (MANE Select); coding-DNA position 216, C replaced by A.
Protein change: p.Asn72Lys; replaces asparagine 72 with lysine.
Molecular consequence: missense variant.
Genome position (GRCh38, 1-based): chr17:49,619,370, G>T on the plus strand (C>A on the coding strand, the complement: SPOP is on the minus strand). VCF-style: chr17-49619370-G-T. GRCh37 (hg19) VCF-style: chr17-47696732-G-T.
Other names: c.216C>A, p.Asn72Lys (NM_001007226.1, NM_001007227.1, NM_001007229.1 and 5 more transcripts); short protein forms N72K.
Identifiers: ClinVar variation 2430004 (VCV002430004.4), dbSNP rs544086490, ClinGen allele CA400157118.

ClinVar aggregate classification (germline): Conflicting classifications of pathogenicity. Review status: criteria provided, conflicting classifications (1 of 4 stars). 2 submissions from 2 submitters: Likely pathogenic (1); Uncertain significance (1). Last evaluated 2024-02-25.

Conditions:
Neurodevelopmental disorder with relative macrocephaly and with or without cardiac or endocrine anomalies. Also called: Nabais Sa-de Vries syndrome, type 2. Identifiers: Orphanet 662175, MedGen C5394221, MONDO:0032943, OMIM 618829.

Submissions (2):

Labcorp Genetics (formerly Invitae), Labcorp
Classification: Uncertain significance. Last evaluated: 2024-02-25. Review status: criteria provided, single submitter. Criteria: Invitae Variant Classification Sherloc (09022015). Collection method: clinical testing. Allele origin: germline.
Comment: This sequence change replaces asparagine, which is neutral and polar, with lysine, which is basic and polar, at codon 72 of the SPOP protein (p.Asn72Lys). This variant is not present in population databases (gnomAD no frequency). This variant has not been reported in the literature in individuals affected with SPOP-related conditions. ClinVar contains an entry for this variant (Variation ID: 2430004). Advanced modeling of protein sequence and biophysical properties (such as structural, functional, and spatial information, amino acid conservation, physicochemical variation, residue mobility, and thermodynamic stability) performed at Invitae indicates that this missense variant is not expected to disrupt SPOP protein function with a negative predictive value of 80%. In summary, the available evidence is currently insufficient to determine the role of this variant in disease. Therefore, it has been classified as a Variant of Uncertain Significance.

Department of Genetics, Rouen University Hospital, Normandy Center for Genomic and Personalized Medicine
Classification: Likely pathogenic for Neurodevelopmental disorder with relative macrocephaly and with or without cardiac or endocrine anomalies. Last evaluated: 2022-07-26. Review status: criteria provided, single submitter. Criteria: ACMG Guidelines, 2015. Collection method: clinical testing. Allele origin: de novo. Affected: yes.